The following is an entry in ClinVar:

ClinVar aggregate classification (germline): Uncertain significance (1 of 4 stars; one submission).

Allele frequency attached by ClinVar (database versions not stated): ExAC 0.00001; gnomAD exomes 0.00001.

Submission:

Labcorp Genetics (formerly Invitae), Labcorp
Classification: Uncertain significance. Last evaluated: 2022-12-05. Review status: criteria provided, single submitter. Criteria: Invitae Variant Classification Sherloc (09022015). Collection method: clinical testing. Allele origin: germline.
Comment: This sequence change replaces aspartic acid, which is acidic and polar, with asparagine, which is neutral and polar, at codon 43 of the PRPF3 protein (p.Asp43Asn). In summary, the available evidence is currently insufficient to determine the role of this variant in disease. Therefore, it has been classified as a Variant of Uncertain Significance. Algorithms developed to predict the effect of missense changes on protein structure and function are either unavailable or do not agree on the potential impact of this missense change (SIFT: "Tolerated"; PolyPhen-2: "Possibly Damaging"; Align-GVGD: "Class C0"). This variant has not been reported in the literature in individuals affected with PRPF3-related conditions. This variant is present in population databases (rs781967322, gnomAD 0.006%).

NM_004698.4(PRPF3):c.127G>A (p.Asp43Asn)

Gene: PRPF3 (pre-mRNA processing factor 3; plus strand). Cytogenetic location: 1q21.2.
Variant type: single nucleotide variant.
Coding change: c.127G>A on transcript NM_004698.4 (MANE Select); coding-DNA position 127, G replaced by A.
Protein change: p.Asp43Asn; replaces aspartic acid 43 with asparagine.
Molecular consequence: missense variant. On other transcripts: 5 prime UTR variant (1), non-coding transcript variant (4).
Genome position (GRCh38, 1-based): chr1:150,325,069, G>A. VCF-style: chr1-150325069-G-A. GRCh37 (hg19) VCF-style: chr1-150297527-G-A.
Other names: c.-375G>A (NM_001350529.1); short protein forms D43N.
Identifiers: ClinVar variation 2818746 (VCV002818746.3), dbSNP rs781967322, ClinGen allele CA1075362.